The following is an entry in ClinVar:

ClinVar aggregate classification (germline): Conflicting classifications of pathogenicity. Review status: criteria provided, conflicting classifications (1 of 4 stars). 6 submissions from 6 submitters: Uncertain significance (1); Benign (1); Likely benign (3). 1 of the submissions does not count toward it. Last evaluated 2026-01-27.

Conditions:
FLCN-related disorder. Also called: FLCN-related condition.
Birt-Hogg-Dube syndrome 1 (BHD1). Also called: FIBROFOLLICULOMAS WITH TRICHODISCOMAS AND ACROCHORDONS. Identifiers: Orphanet 122, MedGen CN375946, MONDO:0800445, OMIM 135150.
Birt-Hogg-Dube syndrome. Also called: Birt Hogg Dubé syndrome. Identifiers: Orphanet 122, MedGen C0346010, MONDO:0800444.
Hereditary cancer-predisposing syndrome. Also called: Hereditary neoplastic syndrome; Neoplastic Syndromes, Hereditary; Tumor predisposition; Hereditary Cancer Syndrome. Identifiers: Orphanet 140162, MedGen C0027672, MeSH D009386, MONDO:0015356.

Allele frequency attached by ClinVar (database versions not stated): gnomAD exomes 0.00003 and 0.00007; ExAC 0.00008; gnomAD 0.00033 and 0.00038; TOPMed 0.00033; ESP Exome Variant Server 0.00062.
gnomAD v4.1: 94 of 1,613,276 alleles (0.0058%); highest among the groups gnomAD compares: African/African-American, 0.12%; no homozygotes.

Submissions (6):

Labcorp Genetics (formerly Invitae), Labcorp
Classification: Likely benign for Birt-Hogg-Dube syndrome. Last evaluated: 2026-01-27. Review status: criteria provided, single submitter. Criteria: Invitae Variant Classification Sherloc (09022015). Collection method: clinical testing. Allele origin: germline.

Quest Diagnostics Nichols Institute San Juan Capistrano
Classification: Benign. Last evaluated: 2025-11-10. Review status: criteria provided, single submitter. Criteria: Quest Diagnostics criteria. Collection method: clinical testing. Allele origin: unknown.

Myriad Genetics, Inc.
Classification: Likely benign for Birt-Hogg-Dube syndrome 1. Last evaluated: 2024-08-06. Review status: criteria provided, single submitter. Criteria: Myriad Autosomal Dominant, Autosomal Recessive and X-Linked Classification Criteria (2023). Collection method: clinical testing. Allele origin: unknown.
Comment: This variant is considered likely benign. This variant has been observed at a population frequency that is significantly greater than expected given the associated disease prevalence and penetrance.

Sema4
Classification: Uncertain significance for Hereditary cancer-predisposing syndrome. Last evaluated: 2021-10-22. Review status: criteria provided, single submitter. Criteria: Sema4 Curation Guidelines. Collection method: curation. Allele origin: germline.
Comment: The FLCN c.1155G>T (p.Q385H) variant has not been reported in the literature to our knowledge. It was observed in 32/24898 chromosomes of the African/African American subpopulation, including no homozygotes, in the Genome Aggregation Database (PMID: 32461654). The variant has been reported in ClinVar (Variation ID 409383). Functional studies have not been performed, and in silico predictions of the variant's effect on protein function are inconclusive. The evidence is insufficient to meet ACMG/AMP criteria for classifying the variant as benign or pathogenic. Thus, the clinical significance of this variant is currently uncertain.

Ambry Genetics
Classification: Likely benign for Hereditary cancer-predisposing syndrome. Last evaluated: 2018-03-01. Review status: criteria provided, single submitter. Criteria: Ambry Variant Classification Scheme 2023. Collection method: clinical testing. Allele origin: germline.

PreventionGenetics, part of Exact Sciences
Classification: Likely benign for FLCN-related condition. Last evaluated: 2022-09-30. Review status: no assertion criteria provided. Collection method: clinical testing. Allele origin: germline. Not counted in ClinVar's aggregate classification.
Comment: This variant is classified as likely benign based on ACMG/AMP sequence variant interpretation guidelines (Richards et al. 2015 PMID: 25741868, with internal and published modifications).

NM_144997.7(FLCN):c.1155G>T (p.Gln385His)

Gene: FLCN (folliculin; minus strand). Cytogenetic location: 17p11.2.
Variant type: single nucleotide variant.
Coding change: c.1155G>T on transcript NM_144997.7 (MANE Select); coding-DNA position 1155, G replaced by T.
Protein change: p.Gln385His; replaces glutamine 385 with histidine.
Molecular consequence: missense variant.
Genome position (GRCh38, 1-based): chr17:17,217,090, C>A on the plus strand (G>T on the coding strand, the complement: FLCN is on the minus strand). VCF-style: chr17-17217090-C-A. GRCh37 (hg19) VCF-style: chr17-17120404-C-A.
Other names: c.1155G>T (LRG_325t1, NM_144997.6); c.1209G>T, p.Gln403His (NM_001353229.2); c.1155G>T, p.Gln385His (NM_001353230.2, NM_001353231.2); short protein forms Q385H, Q403H.
Identifiers: ClinVar variation 409383 (VCV000409383.20), dbSNP rs141250189, ClinGen allele CA8416130.